The following is an entry in ClinVar:

NM_000516.7(GNAS):c.438C>T (p.Phe146=)

Gene: GNAS (GNAS complex locus; plus strand). Cytogenetic location: 20q13.32.
Variant type: single nucleotide variant.
Coding change: c.438C>T on transcript NM_000516.7 (MANE Select); coding-DNA position 438, C replaced by T.
Protein change: p.Phe146=; no amino-acid change (phenylalanine 146 retained).
Molecular consequence: synonymous variant. On other transcripts: 3 prime UTR variant (2).
Genome position (GRCh38, 1-based): chr20:58,905,388, C>T. VCF-style: chr20-58905388-C-T. GRCh37 (hg19) VCF-style: chr20-57480443-C-T.
Other names: c.441C>T, p.Phe147= (NM_001077488.5); c.393C>T, p.Phe131= (NM_001077489.4); c.*299C>T (NM_001077490.3); c.261C>T, p.Phe87= (NM_001309840.2, NM_001309861.2); c.342C>T, p.Phe114= (NM_001410912.1); c.2322C>T, p.Phe774= (NM_001410913.1); c.*344C>T (NM_016592.5); c.2367C>T, p.Phe789= (NM_080425.4); and 1 more.
Identifiers: ClinVar variation 3354173 (VCV003354173.1).

ClinVar aggregate classification (germline): Likely benign (0 of 4 stars; one submission).

Conditions:
GNAS-related disorder. Identifiers: MedGen CN380105.

gnomAD v4.1: 53 of 1,582,500 alleles (0.0033%); highest among the groups gnomAD compares: East Asian, 0.12%; no homozygotes.

Submission:

PreventionGenetics, part of Exact Sciences
Classification: Likely benign for GNAS-related condition. Last evaluated: 2024-02-09. Review status: no assertion criteria provided. Collection method: clinical testing. Allele origin: germline.
Comment: This variant is classified as likely benign based on ACMG/AMP sequence variant interpretation guidelines (Richards et al. 2015 PMID: 25741868, with internal and published modifications).